The following is an entry in ClinVar:

ClinVar aggregate classification (germline): Uncertain significance (1 of 4 stars; one submission).

Conditions:
Malignant hyperthermia, susceptibility to, 5 (MHS5). Also called: CACNA1S-Related Malignant Hyperthermia Susceptibility. Identifiers: Orphanet 423, MedGen C1866077, MONDO:0011163, OMIM 601887.

Allele frequency attached by ClinVar (database versions not stated): gnomAD 0.00001.
gnomAD v4.1: 7 of 1,614,046 alleles (0.00043%); highest among the groups gnomAD compares: East Asian, 0.013%; no homozygotes.

Submission:

All of Us Research Program, National Institutes of Health
Classification: Uncertain significance for Malignant hyperthermia, susceptibility to, 5. Last evaluated: 2023-08-15. Review status: criteria provided, single submitter. Criteria: ACMG Guidelines, 2015. Collection method: clinical testing. Allele origin: germline. Inheritance: Autosomal dominant inheritance. Observed: 1 variant allele, 1 heterozygote.
Comment: This study involves interpretation of variants in research participants for the purpose of population health screening. Participant phenotype was not available at the time of variant classification. Additional details can be found in publication PMID: 35346344, PMCID: PMC8962531

NM_000069.3(CACNA1S):c.1239T>A (p.His413Gln)

Gene: CACNA1S (calcium voltage-gated channel subunit alpha1 S; minus strand). Cytogenetic location: 1q32.1.
Variant type: single nucleotide variant.
Coding change: c.1239T>A on transcript NM_000069.3 (MANE Select); coding-DNA position 1239, T replaced by A.
Protein change: p.His413Gln; replaces histidine 413 with glutamine.
Molecular consequence: missense variant.
Genome position (GRCh38, 1-based): chr1:201,083,316, A>T on the plus strand (T>A on the coding strand, the complement: CACNA1S is on the minus strand). VCF-style: chr1-201083316-A-T. GRCh37 (hg19) VCF-style: chr1-201052444-A-T.
Other names: short protein forms H413Q.
Identifiers: ClinVar variation 3072851 (VCV003072851.1), dbSNP rs762629952, ClinGen allele CA078086.